The following is an entry in ClinVar:

ClinVar aggregate classification (germline): Uncertain significance (1 of 4 stars; one submission).

Allele frequency attached by ClinVar (database versions not stated): gnomAD exomes below 0.00001.
gnomAD v4.1: 2 of 1,614,092 alleles (0.00012%); highest among the groups gnomAD compares: Non-Finnish European, 0.000085%; no homozygotes.

Submission:

CeGaT Center for Human Genetics Tuebingen
Classification: Uncertain significance. Last evaluated: 2023-05-01. Review status: criteria provided, single submitter. Criteria: CeGaT Center For Human Genetics Tuebingen Variant Classification Criteria Version 2. Collection method: clinical testing. Allele origin: germline. Affected: yes. Observed: 2 variant alleles.
Comment: SPTAN1: PM2, PP2

NM_001130438.3(SPTAN1):c.1903G>A (p.Gly635Ser)

Gene: SPTAN1 (spectrin alpha, non-erythrocytic 1; plus strand). Cytogenetic location: 9q34.11.
Variant type: single nucleotide variant.
Coding change: c.1903G>A on transcript NM_001130438.3 (MANE Select); coding-DNA position 1903, G replaced by A.
Protein change: p.Gly635Ser; replaces glycine 635 with serine.
Molecular consequence: missense variant.
Genome position (GRCh38, 1-based): chr9:128,583,173, G>A. VCF-style: chr9-128583173-G-A. GRCh37 (hg19) VCF-style: chr9-131345452-G-A.
Other names: c.1903G>A, p.Gly635Ser (NM_001195532.2, NM_001363759.2, NM_001363765.2 and 5 more transcripts); c.1939G>A, p.Gly647Ser (NM_001375312.2, NM_001375318.1); short protein forms G635S, G647S.
Identifiers: ClinVar variation 2499106 (VCV002499106.28), dbSNP rs2541169440, ClinGen allele CA375055690.